The following is an entry in ClinVar:

NM_001184.4(ATR):c.4774G>T (p.Ala1592Ser)

Gene: ATR (ATR checkpoint kinase; minus strand). Cytogenetic location: 3q23.
Variant type: single nucleotide variant.
Coding change: c.4774G>T on transcript NM_001184.4 (MANE Select); coding-DNA position 4774, G replaced by T.
Protein change: p.Ala1592Ser; replaces alanine 1592 with serine.
Molecular consequence: missense variant.
Genome position (GRCh38, 1-based): chr3:142,512,338, C>A on the plus strand (G>T on the coding strand, the complement: ATR is on the minus strand). VCF-style: chr3-142512338-C-A. GRCh37 (hg19) VCF-style: chr3-142231180-C-A.
Other names: c.4582G>T, p.Ala1528Ser (NM_001354579.2); short protein forms A1528S, A1592S.
Identifiers: ClinVar variation 1742992 (VCV001742992.2), dbSNP rs2032620883, ClinGen allele CA354795344.
Genomic context (GRCh38, chr3:142,512,338, plus strand): 5'-TTCTGTTTGATTTGCTGTGTGGACATTTCTCAGCTTTCAGTGCCTGAAATTTGTGCCTTG[C>A]CCACTGTGTGAGATGGTCAAGCATGGAGAACACAGTCTGTGTACTGAGTTGACACAGATC-3'
Protein context (NP_001175.2, residues 1582-1602): FSMLDHLTQW[Ala1592Ser]RHKFQALKAE

ClinVar aggregate classification (germline): Uncertain significance (1 of 4 stars; one submission).

Conditions:
Inborn genetic diseases. Identifiers: MedGen C0950123, MeSH D030342.

Allele frequency attached by ClinVar (database versions not stated): TOPMed below 0.00001.

Submission:

Ambry Genetics
Classification: Uncertain significance for Inborn genetic diseases. Last evaluated: 2021-09-26. Review status: criteria provided, single submitter. Criteria: Ambry Variant Classification Scheme 2023. Collection method: clinical testing. Allele origin: germline.
Comment: The p.A1592S variant (also known as c.4774G>T), located in coding exon 27 of the ATR gene, results from a G to T substitution at nucleotide position 4774. The alanine at codon 1592 is replaced by serine, an amino acid with similar properties. This amino acid position is conserved. In addition, this alteration is predicted to be tolerated by in silico analysis. Since supporting evidence is limited at this time, the clinical significance of this alteration remains unclear.